The following is an entry in ClinVar:

NM_001394372.1(BICRA):c.2215G>A (p.Val739Ile)

Gene: BICRA (BRD4 interacting chromatin remodeling complex associated protein; plus strand). Cytogenetic location: 19q13.33.
Variant type: single nucleotide variant.
Coding change: c.2215G>A on transcript NM_001394372.1 (MANE Select); coding-DNA position 2215, G replaced by A.
Protein change: p.Val739Ile; replaces valine 739 with isoleucine.
Molecular consequence: missense variant.
Genome position (GRCh38, 1-based): chr19:47,682,084, G>A. VCF-style: chr19-47682084-G-A. GRCh37 (hg19) VCF-style: chr19-48185341-G-A.
Other names: c.2215G>A, p.Val739Ile (NM_015711.3); short protein forms V739I.
Identifiers: ClinVar variation 3771456 (VCV003771456.14).

ClinVar aggregate classification (germline): Likely benign. Review status: criteria provided, multiple submitters, no conflicts (2 of 4 stars). 2 submissions from 2 submitters: Likely benign (2). Last evaluated 2025-09-05.

Submissions (2):

Ambry Genetics
Classification: Likely benign. Last evaluated: 2025-09-05. Review status: criteria provided, single submitter. Criteria: Ambry Variant Classification Scheme 2023. Collection method: clinical testing. Allele origin: germline.

CeGaT Center for Human Genetics Tuebingen
Classification: Likely benign. Last evaluated: 2025-01-01. Review status: criteria provided, single submitter. Criteria: CeGaT Center For Human Genetics Tuebingen Variant Classification Criteria Version 2. Collection method: clinical testing. Allele origin: germline. Affected: yes. Observed: 1 variant allele.
Comment: BICRA: BS2